The following is an entry in ClinVar:

ClinVar aggregate classification (germline): Likely benign (0 of 4 stars; one submission).

Conditions:
PLXNA1-related disorder. Also called: PLXNA1-related condition.

Submission:

PreventionGenetics, part of Exact Sciences
Classification: Likely benign for PLXNA1-related condition. Last evaluated: 2024-05-10. Review status: no assertion criteria provided. Collection method: clinical testing. Allele origin: germline.
Comment: This variant is classified as likely benign based on ACMG/AMP sequence variant interpretation guidelines (Richards et al. 2015 PMID: 25741868, with internal and published modifications).

NM_032242.4(PLXNA1):c.2232C>T (p.Cys744=)

Gene: PLXNA1 (plexin A1; plus strand). Cytogenetic location: 3q21.3.
Variant type: single nucleotide variant.
Coding change: c.2232C>T on transcript NM_032242.4 (MANE Select); coding-DNA position 2232, C replaced by T.
Protein change: p.Cys744=; no amino-acid change (cysteine 744 retained).
Molecular consequence: synonymous variant.
Genome position (GRCh38, 1-based): chr3:127,012,077, C>T. VCF-style: chr3-127012077-C-T. GRCh37 (hg19) VCF-style: chr3-126730920-C-T.
Identifiers: ClinVar variation 3344440 (VCV003344440.1).